The following is an entry in ClinVar:

ClinVar aggregate classification (germline): Uncertain significance (1 of 4 stars; one submission).

Allele frequency attached by ClinVar (database versions not stated): TOPMed below 0.00001.

Submission:

Labcorp Genetics (formerly Invitae), Labcorp
Classification: Uncertain significance. Last evaluated: 2021-10-21. Review status: criteria provided, single submitter. Criteria: Invitae Variant Classification Sherloc (09022015). Collection method: clinical testing. Allele origin: germline.
Comment: This sequence change replaces glutamic acid with glycine at codon 277 of the CEP250 protein (p.Glu277Gly). The glutamic acid residue is moderately conserved and there is a moderate physicochemical difference between glutamic acid and glycine. This variant is not present in population databases (ExAC no frequency). This variant has not been reported in the literature in individuals affected with CEP250-related conditions. Algorithms developed to predict the effect of missense changes on protein structure and function are either unavailable or do not agree on the potential impact of this missense change (SIFT: "Not Available"; PolyPhen-2: "Probably Damaging"; Align-GVGD: "Not Available"). In summary, the available evidence is currently insufficient to determine the role of this variant in disease. Therefore, it has been classified as a Variant of Uncertain Significance.

NM_007186.6(CEP250):c.830A>G (p.Glu277Gly)

Gene: CEP250 (centrosomal protein 250; plus strand). Cytogenetic location: 20q11.22.
Variant type: single nucleotide variant.
Coding change: c.830A>G on transcript NM_007186.6 (MANE Select); coding-DNA position 830, A replaced by G.
Protein change: p.Glu277Gly; replaces glutamic acid 277 with glycine.
Molecular consequence: missense variant. On other transcripts: 5 prime UTR variant (1).
Genome position (GRCh38, 1-based): chr20:35,467,534, A>G. VCF-style: chr20-35467534-A-G. GRCh37 (hg19) VCF-style: chr20-34055359-A-G.
Other names: c.-1070A>G (NM_001318219.1); short protein forms E277G.
Identifiers: ClinVar variation 1519983 (VCV001519983.3), dbSNP rs2062916794, ClinGen allele CA408756258.
Genomic context (GRCh38, chr20:35,467,534, plus strand): 5'-AGAAGGAAGCCCATGAAAGGAGCCAGGAGTTAATACAGCTGAAGAGTCAAGGGGATCTGG[A>G]GAAGGCTGAACTTCAGGACCGGTGAGATGGCCTGGGGTCCCAAGAAGGGTTCGCTGAGAG-3'
Protein context (NP_009117.2, residues 267-287): LIQLKSQGDL[Glu277Gly]KAELQDRVTE